The following is an entry in ClinVar:

ClinVar aggregate classification (germline): Uncertain significance (1 of 4 stars; one submission).

Allele frequency attached by ClinVar (database versions not stated): gnomAD exomes below 0.00001 and 0.00001; TOPMed below 0.00001.
gnomAD v4.1: 3 of 1,614,024 alleles (0.00019%); highest among the groups gnomAD compares: African/African-American, 0.0013%; no homozygotes.

Submission:

Labcorp Genetics (formerly Invitae), Labcorp
Classification: Uncertain significance. Last evaluated: 2022-07-06. Review status: criteria provided, single submitter. Criteria: Invitae Variant Classification Sherloc (09022015). Collection method: clinical testing. Allele origin: germline.
Comment: This sequence change replaces arginine, which is basic and polar, with glycine, which is neutral and non-polar, at codon 933 of the SETD5 protein (p.Arg933Gly). This variant is present in population databases (no rsID available, gnomAD 0.0009%). This variant has not been reported in the literature in individuals affected with SETD5-related conditions. ClinVar contains an entry for this variant (Variation ID: 1354512). Algorithms developed to predict the effect of missense changes on protein structure and function (SIFT, PolyPhen-2, Align-GVGD) all suggest that this variant is likely to be tolerated. In summary, the available evidence is currently insufficient to determine the role of this variant in disease. Therefore, it has been classified as a Variant of Uncertain Significance.

NM_001080517.3(SETD5):c.2797A>G (p.Arg933Gly)

Gene: SETD5 (SET domain containing 5; plus strand). Cytogenetic location: 3p25.3.
Variant type: single nucleotide variant.
Coding change: c.2797A>G on transcript NM_001080517.3 (MANE Select); coding-DNA position 2797, A replaced by G.
Protein change: p.Arg933Gly; replaces arginine 933 with glycine.
Molecular consequence: missense variant.
Genome position (GRCh38, 1-based): chr3:9,470,531, A>G. VCF-style: chr3-9470531-A-G. GRCh37 (hg19) VCF-style: chr3-9512215-A-G.
Other names: c.2503A>G, p.Arg835Gly (NM_001292043.2, NM_001349451.2); short protein forms R933G, R835G.
Identifiers: ClinVar variation 1354512 (VCV001354512.8), dbSNP rs947235775, ClinGen allele CA69949973.